The following is an entry in ClinVar:

ClinVar aggregate classification (germline): Uncertain significance (1 of 4 stars; one submission).

Submission:

Labcorp Genetics (formerly Invitae), Labcorp
Classification: Uncertain significance. Last evaluated: 2025-01-19. Review status: criteria provided, single submitter. Criteria: Invitae Variant Classification Sherloc (09022015). Collection method: clinical testing. Allele origin: germline.
Comment: This sequence change replaces isoleucine, which is neutral and non-polar, with valine, which is neutral and non-polar, at codon 305 of the DMXL2 protein (p.Ile305Val). This variant is not present in population databases (gnomAD no frequency). This variant has not been reported in the literature in individuals affected with DMXL2-related conditions. An algorithm developed to predict the effect of missense changes on protein structure and function outputs the following: PolyPhen-2: "Benign". The valine amino acid residue is found in multiple mammalian species, which suggests that this missense change does not adversely affect protein function. In summary, the available evidence is currently insufficient to determine the role of this variant in disease. Therefore, it has been classified as a Variant of Uncertain Significance.

NM_001378457.1(DMXL2):c.913A>G (p.Ile305Val)

Gene: DMXL2 (Dmx like 2; minus strand). Cytogenetic location: 15q21.2.
Variant type: single nucleotide variant.
Coding change: c.913A>G on transcript NM_001378457.1 (MANE Select); coding-DNA position 913, A replaced by G.
Protein change: p.Ile305Val; replaces isoleucine 305 with valine.
Molecular consequence: missense variant. On other transcripts: non-coding transcript variant (2).
Genome position (GRCh38, 1-based): chr15:51,545,600, T>C on the plus strand (A>G on the coding strand, the complement: DMXL2 is on the minus strand). VCF-style: chr15-51545600-T-C. GRCh37 (hg19) VCF-style: chr15-51837797-T-C.
Other names: c.913A>G, p.Ile305Val (NM_001174116.3, NM_001174117.3, NM_001378458.1 and 7 more transcripts); short protein forms I305V.
Identifiers: ClinVar variation 3671423 (VCV003671423.2).